The following is an entry in ClinVar:

ClinVar aggregate classification (germline): Uncertain significance (1 of 4 stars; one submission).

Submission:

Women's Health and Genetics/Laboratory Corporation of America, LabCorp
Classification: Uncertain significance. Last evaluated: 2025-09-17. Review status: criteria provided, single submitter. Criteria: LabCorp Variant Classification Summary - May 2015. Collection method: clinical testing. Allele origin: germline.
Comment: Variant summary: GJB2 c.384C>G (p.Ile128Met) results in a conservative amino acid change in the encoded protein sequence. Algorithms developed to predict the effect of missense changes on protein structure and function are either unavailable or do not agree on the potential impact of this missense change. The variant was absent in 250484 control chromosomes. The available data on variant occurrences in the general population are insufficient to allow any conclusion about variant significance. c.384C>G has been observed in at-least one bi-allelic individual affected with Non-Syndromic Hearing Loss (example: Minami_2013). These data do not allow any conclusion about variant significance. To our knowledge, no experimental evidence demonstrating an impact on protein function has been reported. The following publications have been ascertained in the context of this evaluation (PMID: 24013081, 36048236). No submitters have cited clinical-significance assessments for this variant to ClinVar. Based on the evidence outlined above, the variant was classified as uncertain significance.

Literature cited by the submitters: PubMed 24013081; PubMed 36048236.

NM_004004.6(GJB2):c.384C>G (p.Ile128Met)

Gene: GJB2 (gap junction protein beta 2; minus strand). Cytogenetic location: 13q12.11.
Variant type: single nucleotide variant.
Coding change: c.384C>G on transcript NM_004004.6 (MANE Select); coding-DNA position 384, C replaced by G.
Protein change: p.Ile128Met; replaces isoleucine 128 with methionine.
Molecular consequence: missense variant.
Genome position (GRCh38, 1-based): chr13:20,189,198, G>C on the plus strand (C>G on the coding strand, the complement: GJB2 is on the minus strand). VCF-style: chr13-20189198-G-C. GRCh37 (hg19) VCF-style: chr13-20763337-G-C.
Other names: short protein forms I128M.
Identifiers: ClinVar variation 4536151 (VCV004536151.1).